The following is an entry in ClinVar:

NM_005026.5(PIK3CD):c.707C>T (p.Pro236Leu)

Gene: PIK3CD (phosphatidylinositol-4,5-bisphosphate 3-kinase catalytic subunit delta; plus strand). Cytogenetic location: 1p36.22.
Variant type: single nucleotide variant.
Coding change: c.707C>T on transcript NM_005026.5 (MANE Select); coding-DNA position 707, C replaced by T.
Protein change: p.Pro236Leu; replaces proline 236 with leucine.
Molecular consequence: missense variant.
Genome position (GRCh38, 1-based): chr1:9,716,546, C>T. VCF-style: chr1-9716546-C-T. GRCh37 (hg19) VCF-style: chr1-9776604-C-T.
Other names: c.707C>T, p.Pro236Leu (NM_001350234.2, NM_001350235.1); short protein forms P236L.
Identifiers: ClinVar variation 1471876 (VCV001471876.6), dbSNP rs373049250, ClinGen allele CA576955.
Genomic context (GRCh38, chr1:9,716,546, plus strand): 5'-TGATGGCCTGTGCCCTGCGGAAGAAGGCCACAGTGTTCCGGCAGCCGCTGGTGGAGCAGC[C>T]GGAAGACTACACGCTGCAGGTGAACGGCAGGCATGAGTACCTGTATGGCAGCTACCCGCT-3'
Protein context (NP_005017.3, residues 226-246): TVFRQPLVEQ[Pro236Leu]EDYTLQVNGR

ClinVar aggregate classification (germline): Uncertain significance (1 of 4 stars; one submission).

Conditions:
Immunodeficiency 14 (IMD14A). Also called: ACTIVATED PI3K-DELTA SYNDROME 1; Activated PI3K Delta Syndrome Type 1 (APDS1); p110-DELTA-ACTIVATING MUTATION CAUSING SENESCENT T CELLS, LYMPHADENOPATHY, AND IMMUNODEFICIENCY; IMMUNODEFICIENCY 14A WITH LYMPHOPROLIFERATION, AUTOSOMAL DOMINANT. Identifiers: Orphanet 397596, Orphanet 693661, MedGen C5907821, MONDO:0014222, OMIM 615513.

Allele frequency attached by ClinVar (database versions not stated): ExAC 0.00001; gnomAD 0.00001; ESP Exome Variant Server 0.00008; gnomAD exomes below 0.00001; TOPMed below 0.00001.
gnomAD v4.1: 17 of 1,608,110 alleles (0.0011%); highest among the groups gnomAD compares: East Asian, 0.016%; no homozygotes.

Submission:

Labcorp Genetics (formerly Invitae), Labcorp
Classification: Uncertain significance for Activated PI3K-delta syndrome. Last evaluated: 2021-09-03. Review status: criteria provided, single submitter. Criteria: Invitae Variant Classification Sherloc (09022015). Collection method: clinical testing. Allele origin: germline.
Comment: This sequence change replaces proline with leucine at codon 236 of the PIK3CD protein (p.Pro236Leu). The proline residue is highly conserved and there is a moderate physicochemical difference between proline and leucine. This variant is present in population databases (rs373049250, ExAC 0.002%). This variant has not been reported in the literature in individuals affected with PIK3CD-related conditions. Algorithms developed to predict the effect of missense changes on protein structure and function are either unavailable or do not agree on the potential impact of this missense change (SIFT: "Tolerated"; PolyPhen-2: "Probably Damaging"; Align-GVGD: "Class C0"). In summary, the available evidence is currently insufficient to determine the role of this variant in disease. Therefore, it has been classified as a Variant of Uncertain Significance.